The following is an entry in ClinVar:

NM_000742.4(CHRNA2):c.778G>A (p.Val260Ile)

Gene: CHRNA2 (cholinergic receptor nicotinic alpha 2 subunit; minus strand). Cytogenetic location: 8p21.2.
Variant type: single nucleotide variant.
Coding change: c.778G>A on transcript NM_000742.4 (MANE Select); coding-DNA position 778, G replaced by A.
Protein change: p.Val260Ile; replaces valine 260 with isoleucine.
Molecular consequence: missense variant.
Genome position (GRCh38, 1-based): chr8:27,463,665, C>T on the plus strand (G>A on the coding strand, the complement: CHRNA2 is on the minus strand). VCF-style: chr8-27463665-C-T. GRCh37 (hg19) VCF-style: chr8-27321182-C-T.
Other names: c.301G>A, p.Val101Ile (NM_001347706.2, NM_001347705.2); c.184G>A, p.Val62Ile (NM_001347707.2, NM_001347708.2); c.733G>A, p.Val245Ile (NM_001282455.2); short protein forms V260I, V101I, V245I, V62I.
Identifiers: ClinVar variation 4697397 (VCV004697397.1).

ClinVar aggregate classification (germline): Uncertain significance (1 of 4 stars; one submission).

Conditions:
Familial sleep-related hypermotor epilepsy. Also called: Autosomal Dominant Sleep-Related Hypermotor (Hyperkinetic) Epilepsy. Identifiers: Orphanet 98784, MedGen C3696898, MONDO:0000030.

Submission:

Labcorp Genetics (formerly Invitae), Labcorp
Classification: Uncertain significance. Last evaluated: 2025-02-26. Review status: criteria provided, single submitter. Criteria: Invitae Variant Classification Sherloc (09022015). Collection method: clinical testing. Allele origin: germline.
Comment: This sequence change replaces valine, which is neutral and non-polar, with isoleucine, which is neutral and non-polar, at codon 260 of the CHRNA2 protein (p.Val260Ile). This variant is not present in population databases (gnomAD no frequency). This variant has not been reported in the literature in individuals affected with CHRNA2-related conditions. Invitae Evidence Modeling of protein sequence and biophysical properties (such as structural, functional, and spatial information, amino acid conservation, physicochemical variation, residue mobility, and thermodynamic stability) indicates that this missense variant is not expected to disrupt CHRNA2 protein function with a negative predictive value of 80%. In summary, the available evidence is currently insufficient to determine the role of this variant in disease. Therefore, it has been classified as a Variant of Uncertain Significance.